The following is an entry in ClinVar:

ClinVar aggregate classification (germline): Pathogenic (1 of 4 stars; one submission).

Conditions:
Holocarboxylase synthetase deficiency. Also called: MULTIPLE CARBOXYLASE DEFICIENCY, EARLY ONSET. Identifiers: Orphanet 79242, MedGen C0268581, MONDO:0009666, OMIM 253270.

Submission:

Labcorp Genetics (formerly Invitae), Labcorp
Classification: Pathogenic for Holocarboxylase synthetase deficiency. Last evaluated: 2023-03-08. Review status: criteria provided, single submitter. Criteria: Invitae Variant Classification Sherloc (09022015). Collection method: clinical testing. Allele origin: germline.
Comment: For these reasons, this variant has been classified as Pathogenic. This variant has not been reported in the literature in individuals affected with HLCS-related conditions. This variant is not present in population databases (gnomAD no frequency). This sequence change creates a premature translational stop signal (p.Ser355*) in the HLCS gene. It is expected to result in an absent or disrupted protein product. Loss-of-function variants in HLCS are known to be pathogenic (PMID: 16134170).

Literature cited by the submitters: PubMed 16134170.

NM_001352514.2(HLCS):c.1505C>G (p.Ser502Ter)

Gene: HLCS (holocarboxylase synthetase; minus strand). Cytogenetic location: 21q22.13.
Variant type: single nucleotide variant.
Coding change: c.1505C>G on transcript NM_001352514.2 (MANE Select); coding-DNA position 1505, C replaced by G.
Protein change: p.Ser502Ter; replaces serine 502 with a stop codon.
Molecular consequence: nonsense. On other transcripts: non-coding transcript variant (2).
Genome position (GRCh38, 1-based): chr21:36,930,366, G>C on the plus strand (C>G on the coding strand, the complement: HLCS is on the minus strand). VCF-style: chr21-36930366-G-C. GRCh37 (hg19) VCF-style: chr21-38302666-G-C.
Other names: c.1064C>G, p.Ser355Ter (NM_001352518.2, NM_001352515.2, NM_001352516.2 and 4 more transcripts); short protein forms S502*, S355*.
Identifiers: ClinVar variation 2867942 (VCV002867942.3), dbSNP rs2517547488, ClinGen allele CA409911457.
Genomic context (GRCh38, chr21:36,930,366, plus strand): 5'-CAGCTGAGGCCAAGGGTTGTCAGAATCTCTCTAAGGACTTCGTATCTTCTAAAATTGCTT[G>C]ACTTGAGCAAGTTAAAATCTTCTGGAGTTTGCACTATGTTGGAGCTGGGAGGTAGTTCTA-3'